The following is an entry in ClinVar:

ClinVar aggregate classification (germline): Uncertain significance (1 of 4 stars; one submission).

Allele frequency attached by ClinVar (database versions not stated): gnomAD 0.00001; gnomAD exomes 0.00001 and 0.00003; TOPMed 0.00001; ExAC 0.00002.
gnomAD v4.1: 17 of 1,613,958 alleles (0.0011%); highest among the groups gnomAD compares: Middle Eastern, 0.016%; no homozygotes.

Submission:

Labcorp Genetics (formerly Invitae), Labcorp
Classification: Uncertain significance. Last evaluated: 2023-12-18. Review status: criteria provided, single submitter. Criteria: Invitae Variant Classification Sherloc (09022015). Collection method: clinical testing. Allele origin: germline.
Comment: This sequence change replaces tyrosine, which is neutral and polar, with cysteine, which is neutral and slightly polar, at codon 838 of the EMC1 protein (p.Tyr838Cys). This variant is present in population databases (rs776468170, gnomAD 0.02%). This variant has not been reported in the literature in individuals affected with EMC1-related conditions. ClinVar contains an entry for this variant (Variation ID: 1500333). Advanced modeling of protein sequence and biophysical properties (such as structural, functional, and spatial information, amino acid conservation, physicochemical variation, residue mobility, and thermodynamic stability) performed at Invitae indicates that this missense variant is expected to disrupt EMC1 protein function with a positive predictive value of 80%. In summary, the available evidence is currently insufficient to determine the role of this variant in disease. Therefore, it has been classified as a Variant of Uncertain Significance.

NM_015047.3(EMC1):c.2513A>G (p.Tyr838Cys)

Genes: EMC1 (ER membrane protein complex subunit 1; minus strand), EMC1-AS1 (EMC1 antisense RNA 1; plus strand). Cytogenetic location: 1p36.13.
Variant type: single nucleotide variant.
Coding change: c.2513A>G on transcript NM_015047.3 (MANE Select); coding-DNA position 2513, A replaced by G.
Protein change: p.Tyr838Cys; replaces tyrosine 838 with cysteine.
Molecular consequence: missense variant.
Genome position (GRCh38, 1-based): chr1:19,222,698, T>C on the plus strand (A>G on the coding strand, the complement: EMC1 is on the minus strand). VCF-style: chr1-19222698-T-C. GRCh37 (hg19) VCF-style: chr1-19549192-T-C.
Other names: c.2510A>G, p.Tyr837Cys (NM_001271427.2, NM_001271428.2); c.2447A>G, p.Tyr816Cys (NM_001271429.2); c.2522A>G, p.Tyr841Cys (NM_001375820.1); c.2519A>G, p.Tyr840Cys (NM_001375821.1); short protein forms Y837C, Y838C, Y816C, Y841C, Y840C.
Identifiers: ClinVar variation 1500333 (VCV001500333.8), dbSNP rs776468170, ClinGen allele CA652257.